The following is an entry in ClinVar:

NM_001035.3(RYR2):c.10857_10858del (p.Phe3620fs)

Gene: RYR2 (ryanodine receptor 2; plus strand). Cytogenetic location: 1q43.
Variant type: Microsatellite.
Coding change: c.10857_10858del on transcript NM_001035.3 (MANE Select); coding-DNA positions 10857 to 10858, 2 bases deleted (CT; older notation c.10857_10858delCT).
Protein change: p.Phe3620fs; shifts the reading frame from phenylalanine 3620.
Molecular consequence: frameshift variant.
Genome position (GRCh38, 1-based): chr1:237,730,278-237,730,279, CT deleted; deleting any 2 consecutive bases within chr1:237,730,275-237,730,279 gives the same sequence; the c. name uses the placement nearest the transcript's 3' end. VCF-style (leftmost placement, unchanged base first): chr1-237730274-ATC-A. GRCh37 (hg19) VCF-style: chr1-237893574-ATC-A.
Other names: short protein forms F3620fs.
Identifiers: ClinVar variation 1316015 (VCV001316015.2), dbSNP rs2149159354, ClinGen allele CA2574458689.

ClinVar aggregate classification (germline): Uncertain significance (1 of 4 stars; one submission).

Submission:

GeneDx
Classification: Uncertain significance. Last evaluated: 2019-12-05. Review status: criteria provided, single submitter. Criteria: GeneDx Variant Classification Process June 2021. Collection method: clinical testing. Allele origin: germline. Affected: yes.
Comment: Not observed in large population cohorts (Lek et al., 2016); Frameshift variant predicted to result in protein truncation or nonsense mediated decay in a gene for which loss-of-function is not a known mechanism of disease; Has not been previously published as pathogenic or benign to our knowledge